The following is an entry in ClinVar:

ClinVar aggregate classification (germline): Uncertain significance. Review status: criteria provided, multiple submitters, no conflicts (2 of 4 stars). 2 submissions from 2 submitters: Uncertain significance (2). Last evaluated 2023-05-03.

gnomAD v4.1: 20 of 1,611,024 alleles (0.0012%); highest among the groups gnomAD compares: Admixed American, 0.0067%; no homozygotes.

Submissions (2):

Ambry Genetics
Classification: Uncertain significance. Last evaluated: 2023-05-03. Review status: criteria provided, single submitter. Criteria: Ambry Variant Classification Scheme 2023. Collection method: clinical testing. Allele origin: germline.

Labcorp Genetics (formerly Invitae), Labcorp
Classification: Uncertain significance. Last evaluated: 2021-11-15. Review status: criteria provided, single submitter. Criteria: Invitae Variant Classification Sherloc (09022015). Collection method: clinical testing. Allele origin: germline.
Comment: In summary, the available evidence is currently insufficient to determine the role of this variant in disease. Therefore, it has been classified as a Variant of Uncertain Significance. Algorithms developed to predict the effect of missense changes on protein structure and function (SIFT, PolyPhen-2, Align-GVGD) all suggest that this variant is likely to be tolerated. This variant has not been reported in the literature in individuals affected with LRRC56-related conditions. This variant is present in population databases (rs773018391, gnomAD 0.009%). This sequence change replaces glutamic acid, which is acidic and polar, with lysine, which is basic and polar, at codon 352 of the LRRC56 protein (p.Glu352Lys).

NM_198075.4(LRRC56):c.1054G>A (p.Glu352Lys)

Gene: LRRC56 (leucine rich repeat containing 56; plus strand). Cytogenetic location: 11p15.5.
Variant type: single nucleotide variant.
Coding change: c.1054G>A on transcript NM_198075.4 (MANE Select); coding-DNA position 1054, G replaced by A.
Protein change: p.Glu352Lys; replaces glutamic acid 352 with lysine.
Molecular consequence: missense variant.
Genome position (GRCh38, 1-based): chr11:552,105, G>A. VCF-style: chr11-552105-G-A. GRCh37 (hg19) VCF-style: chr11-552105-G-A.
Other names: c.1054G>A (NM_198075.3); short protein forms E352K.
Identifiers: ClinVar variation 1345595 (VCV001345595.6), dbSNP rs773018391, ClinGen allele CA5779945.
Genomic context (GRCh38, chr11:552,105, plus strand): 5'-CATTCCAGGGCCAGAATCCCTAAAGCAGTCCCTTTTCCTCCCCAGGCCAGGGAGCCCCCC[G>A]AGCAGCTGCCCCAACACAGGCCAGGAGATCCGGCCGCCAGCACTTCCACCCCAGAGCCTG-3'
Protein context (NP_932341.1, residues 342-362): RHQCQAREPP[Glu352Lys]QLPQHRPGDP